The following is an entry in ClinVar:

NM_001378454.1(ALMS1):c.1237+4A>T

Gene: ALMS1 (ALMS1 centrosome and basal body associated protein; plus strand). Cytogenetic location: 2p13.1.
Variant type: single nucleotide variant.
Coding change: c.1237+4A>T on transcript NM_001378454.1 (MANE Select); 4 bases into the intron after coding-DNA position 1237, A replaced by T.
Molecular consequence: intron variant.
Genome position (GRCh38, 1-based): chr2:73,424,906, A>T. VCF-style: chr2-73424906-A-T. GRCh37 (hg19) VCF-style: chr2-73652034-A-T.
Other names: c.1237+4A>T (NM_015120.4); c.1240+4A>T (NM_015120.4).
Identifiers: ClinVar variation 5036057 (VCV005036057.1).

ClinVar aggregate classification (germline): Uncertain significance (1 of 4 stars; one submission).

Conditions:
Cardiovascular phenotype. Identifiers: MedGen CN230736.

gnomAD v4.1: 1 of 1,589,220 alleles (0.000063%); highest among the groups gnomAD compares: African/African-American, 0.0014%; no homozygotes.

Submission:

Ambry Genetics
Classification: Uncertain significance for Cardiovascular phenotype. Last evaluated: 2026-08-11. Review status: criteria provided, single submitter. Criteria: Ambry Variant Classification Scheme 2023. Collection method: clinical testing. Allele origin: germline.
Comment: The c.1240+4A>T intronic variant results from an A to T substitution 4 nucleotides after coding exon 5 in the ALMS1 gene. This nucleotide position is highly conserved in available vertebrate species. In silico splice site analysis predicts that this alteration will weaken the native splice donor site. Based on the available evidence, the clinical significance of this variant remains unclear.